The following is an entry in ClinVar:

ClinVar aggregate classification (germline): Uncertain significance (1 of 4 stars; one submission).

Conditions:
Hereditary cancer-predisposing syndrome. Also called: Neoplastic Syndromes, Hereditary; Tumor predisposition; Hereditary neoplastic syndrome; Hereditary Cancer Syndrome. Identifiers: Orphanet 140162, MedGen C0027672, MeSH D009386, MONDO:0015356.
Cardiovascular phenotype. Identifiers: MedGen CN230736.

Submission:

Ambry Genetics
Classification: Uncertain significance for Cardiovascular phenotype; Hereditary cancer-predisposing syndrome. Last evaluated: 2024-01-17. Review status: criteria provided, single submitter. Criteria: Ambry Variant Classification Scheme 2023. Collection method: clinical testing. Allele origin: germline.
Comment: The p.D1194H variant (also known as c.3580G>C), located in coding exon 27 of the NF1 gene, results from a G to C substitution at nucleotide position 3580. The aspartic acid at codon 1194 is replaced by histidine, an amino acid with similar properties. This amino acid position is conserved. In addition, this alteration is predicted to be deleterious by in silico analysis. Based on the available evidence, the clinical significance of this alteration remains unclear.

NM_001042492.3(NF1):c.3580G>C (p.Asp1194His)

Gene: NF1 (neurofibromin 1; plus strand). Cytogenetic location: 17q11.2.
Variant type: single nucleotide variant.
Coding change: c.3580G>C on transcript NM_001042492.3 (MANE Select); coding-DNA position 3580, G replaced by C.
Protein change: p.Asp1194His; replaces aspartic acid 1194 with histidine.
Molecular consequence: missense variant.
Genome position (GRCh38, 1-based): chr17:31,233,085, G>C. VCF-style: chr17-31233085-G-C. GRCh37 (hg19) VCF-style: chr17-29560103-G-C.
Other names: c.3580G>C, p.Asp1194His (NM_000267.4); short protein forms D1194H.
Identifiers: ClinVar variation 3237737 (VCV003237737.1), dbSNP rs2151435486.